The following is an entry in ClinVar:

NM_005458.8(GABBR2):c.1803G>A (p.Val601=)

Gene: GABBR2 (gamma-aminobutyric acid type B receptor subunit 2; minus strand). Cytogenetic location: 9q22.33.
Variant type: single nucleotide variant.
Coding change: c.1803G>A on transcript NM_005458.8 (MANE Select); coding-DNA position 1803, G replaced by A.
Protein change: p.Val601=; no amino-acid change (valine 601 retained).
Molecular consequence: synonymous variant.
Genome position (GRCh38, 1-based): chr9:98,362,805, C>T on the plus strand (G>A on the coding strand, the complement: GABBR2 is on the minus strand). VCF-style: chr9-98362805-C-T. GRCh37 (hg19) VCF-style: chr9-101125087-C-T.
Identifiers: ClinVar variation 949572 (VCV000949572.8), dbSNP rs780693472, ClinGen allele CA466421158.

ClinVar aggregate classification (germline): Likely benign. Review status: criteria provided, multiple submitters, no conflicts (2 of 4 stars). 2 submissions from 2 submitters: Likely benign (2). Last evaluated 2026-07-01.

Conditions:
Epileptic encephalopathy. Identifiers: MedGen C0543888, HP:0200134.

Allele frequency attached by ClinVar (database versions not stated): TOPMed 0.00002.
gnomAD v4.1: 10 of 1,597,514 alleles (0.00063%); highest among the groups gnomAD compares: Admixed American, 0.0017%; no homozygotes.

Submissions (2):

CeGaT Center for Human Genetics Tuebingen
Classification: Likely benign. Last evaluated: 2026-07-01. Review status: criteria provided, single submitter. Criteria: CeGaT Center For Human Genetics Tuebingen Variant Classification Criteria Version 2. Collection method: clinical testing. Allele origin: germline. Affected: yes. Observed: 1 variant allele.
Comment: GABBR2: BP4, BP7

Labcorp Genetics (formerly Invitae), Labcorp
Classification: Likely benign for Epileptic encephalopathy. Last evaluated: 2023-08-04. Review status: criteria provided, single submitter. Criteria: Invitae Variant Classification Sherloc (09022015). Collection method: clinical testing. Allele origin: germline.